The following is an entry in ClinVar:

NM_007194.4(CHEK2):c.316C>G (p.Leu106Val)

Gene: CHEK2 (checkpoint kinase 2; minus strand). Cytogenetic location: 22q12.1.
Variant type: single nucleotide variant.
Coding change: c.316C>G on transcript NM_007194.4 (MANE Select); coding-DNA position 316, C replaced by G.
Protein change: p.Leu106Val; replaces leucine 106 with valine.
Molecular consequence: missense variant.
Genome position (GRCh38, 1-based): chr22:28,734,406, G>C on the plus strand (C>G on the coding strand, the complement: CHEK2 is on the minus strand). VCF-style: chr22-28734406-G-C. GRCh37 (hg19) VCF-style: chr22-29130394-G-C.
Other names: c.316C>G, p.Leu106Val (NM_001005735.3, NM_001349956.3, NM_145862.3); c.-462C>G (NM_001257387.3); short protein forms L106V.
Identifiers: ClinVar variation 410013 (VCV000410013.12), dbSNP rs1060502691, ClinGen allele CA16616348.

ClinVar aggregate classification (germline): Uncertain significance. Review status: criteria provided, multiple submitters, no conflicts (2 of 4 stars). 2 submissions from 2 submitters: Uncertain significance (2). Last evaluated 2022-02-11.

Conditions:
Familial cancer of breast. Also called: BREAST CANCER, FAMILIAL; Hereditary breast cancer; hereditary breast carcinoma. Identifiers: Orphanet 227535, MedGen C0346153, MONDO:0016419, OMIM 114480. Disease mechanism: loss of function.
Hereditary nonpolyposis colon cancer (HNPCC). Also called: Hereditary nonpolyposis colorectal cancer; Familial nonpolyposis colon cancer; Hereditary Nonpolyposis Colorectal Cancer Syndrome. Identifiers: Orphanet 443909, MedGen C1333990, MONDO:0018630. Disease mechanism: loss of function.

Submissions (2):

Department of Pathology and Laboratory Medicine, Sinai Health System
Classification: Uncertain significance for hereditary nonpolyposis colon cancer. Last evaluated: 2022-02-11. Review status: criteria provided, single submitter. Criteria: ACMG Guidelines, 2015. Collection method: clinical testing. Allele origin: germline.

Labcorp Genetics (formerly Invitae), Labcorp
Classification: Uncertain significance for Familial cancer of breast. Last evaluated: 2020-06-23. Review status: criteria provided, single submitter. Criteria: Invitae Variant Classification Sherloc (09022015). Collection method: clinical testing. Allele origin: germline.
Comment: This variant is not present in population databases (ExAC no frequency) and has not been reported in the literature in individuals with a CHEK2-related disease. In summary, this variant is a novel missense change that is not predicted to affect protein function. There is no indication that it causes disease, but the available evidence is currently insufficient to prove that conclusively. Therefore, it has been classified as a Variant of Uncertain Significance. Algorithms developed to predict the effect of missense changes on protein structure and function (SIFT, PolyPhen-2, Align-GVGD) all suggest that this variant is likely to be tolerated, but these predictions have not been confirmed by published functional studies. This sequence change replaces leucine with valine at codon 106 of the CHEK2 protein (p.Leu106Val). The leucine residue is moderately conserved and there is a small physicochemical difference between leucine and valine.